The following is an entry in ClinVar:

NM_014780.4(CUL7):c.-272C>T

Genes: CUL7 (cullin 7; minus strand), LOC129996487 (ATAC-STARR-seq lymphoblastoid silent region 17217; plus strand). Cytogenetic location: 6p21.1.
Variant type: single nucleotide variant.
Coding change: c.-272C>T on transcript NM_014780.4; 272 bases upstream of the start codon, C replaced by T.
Genome position (GRCh38, 1-based): chr6:43,053,885, G>A on the plus strand (C>T on the coding strand, the complement: CUL7 is on the minus strand). VCF-style: chr6-43053885-G-A. GRCh37 (hg19) VCF-style: chr6-43021623-G-A.
Identifiers: ClinVar variation 356863 (VCV000356863.7), dbSNP rs754072990, ClinGen allele CA3814499.

ClinVar aggregate classification (germline): Likely benign (1 of 4 stars; one submission).

Conditions:
3M syndrome 1. Also called: 3-M Syndrome, CUL7-Related. Identifiers: Orphanet 2616, MedGen C2678312, MONDO:0010117, OMIM 273750.

Allele frequency attached by ClinVar (database versions not stated): gnomAD exomes 0.00090 and 0.00026; gnomAD 0.00033; TOPMed 0.00034; ExAC 0.00189.

Submission:

Illumina Laboratory Services, Illumina
Classification: Likely benign for 3M syndrome 1. Last evaluated: 2018-01-13. Review status: criteria provided, single submitter. Criteria: ICSL Variant Classification Criteria 13 December 2019. Collection method: clinical testing. Allele origin: germline.
Comment: This variant was observed in the ICSL laboratory as part of a predisposition screen in an ostensibly healthy population. It had not been previously curated by ICSL or reported in the Human Gene Mutation Database (HGMD: prior to June 1st, 2018), and was therefore a candidate for classification through an automated scoring system. Utilizing variant allele frequency, disease prevalence and penetrance estimates, and inheritance mode, an automated score was calculated to assess if this variant is too frequent to cause the disease. Based on the score and internal cut-off values, a variant classified as likely benign is not then subjected to further curation. The score for this variant resulted in a classification of likely benign for this disease.